The following is an entry in ClinVar:

ClinVar aggregate classification (germline): Uncertain significance (1 of 4 stars; one submission).

Submission:

Labcorp Genetics (formerly Invitae), Labcorp
Classification: Uncertain significance. Last evaluated: 2023-01-28. Review status: criteria provided, single submitter. Criteria: Invitae Variant Classification Sherloc (09022015). Collection method: clinical testing. Allele origin: germline.
Comment: This sequence change creates a premature translational stop signal (p.Lys908Asnfs*4) in the TTBK2 gene. It is expected to result in an absent or disrupted protein product. However, the current clinical and genetic evidence is not sufficient to establish whether loss-of-function variants in TTBK2 cause disease. This variant is present in population databases (no rsID available, gnomAD 0.007%). This variant has not been reported in the literature in individuals affected with TTBK2-related conditions. In summary, the available evidence is currently insufficient to determine the role of this variant in disease. Therefore, it has been classified as a Variant of Uncertain Significance.

NM_173500.4(TTBK2):c.2721_2722del (p.Lys908fs)

Gene: TTBK2 (tau tubulin kinase 2; minus strand). Cytogenetic location: 15q15.2.
Variant type: Microsatellite.
Coding change: c.2721_2722del on transcript NM_173500.4 (MANE Select); coding-DNA positions 2721 to 2722, 2 bases deleted (GA; older notation c.2721_2722delGA).
Protein change: p.Lys908fs; shifts the reading frame from lysine 908.
Molecular consequence: frameshift variant.
Genome position (GRCh38, 1-based): chr15:42,752,524-42,752,525, TC deleted on the plus strand (GA on the coding strand, the reverse complement: TTBK2 is on the minus strand); deleting any 2 consecutive bases within chr15:42,752,524-42,752,532 gives the same sequence; the c. name uses the placement nearest the transcript's 3' end. VCF-style (leftmost placement, unchanged base first): chr15-42752523-TTC-T. GRCh37 (hg19) VCF-style: chr15-43044721-TTC-T.
Other names: short protein forms K908fs.
Identifiers: ClinVar variation 2832609 (VCV002832609.3), dbSNP rs1410358196, ClinGen allele CA618002406.